The following is an entry in ClinVar:

ClinVar aggregate classification (germline): Uncertain significance (1 of 4 stars; one submission).

Allele frequency attached by ClinVar (database versions not stated): TOPMed below 0.00001; ExAC 0.00001; gnomAD 0.00001.
gnomAD v4.1: 1 of 1,612,868 alleles (0.000062%); highest among the groups gnomAD compares: African/African-American, 0.0013%; no homozygotes.

Submission:

Ambry Genetics
Classification: Uncertain significance. Last evaluated: 2024-11-04. Review status: criteria provided, single submitter. Criteria: Ambry Variant Classification Scheme 2023. Collection method: clinical testing. Allele origin: germline.
Comment: The p.D382H variant (also known as c.1144G>C), located in coding exon 9 of the RECQL gene, results from a G to C substitution at nucleotide position 1144. The aspartic acid at codon 382 is replaced by histidine, an amino acid with similar properties. This amino acid position is conserved. In addition, this alteration is predicted to be deleterious by in silico analysis. Since supporting evidence is limited at this time, the clinical significance of this alteration remains unclear.

NM_002907.4(RECQL):c.1144G>C (p.Asp382His)

Gene: RECQL (RecQ like helicase; minus strand). Cytogenetic location: 12p12.1.
Variant type: single nucleotide variant.
Coding change: c.1144G>C on transcript NM_002907.4 (MANE Select); coding-DNA position 1144, G replaced by C.
Protein change: p.Asp382His; replaces aspartic acid 382 with histidine.
Molecular consequence: missense variant.
Genome position (GRCh38, 1-based): chr12:21,475,540, C>G on the plus strand (G>C on the coding strand, the complement: RECQL is on the minus strand). VCF-style: chr12-21475540-C-G. GRCh37 (hg19) VCF-style: chr12-21628474-C-G.
Other names: c.1144G>C, p.Asp382His (NM_032941.3); short protein forms D382H.
Identifiers: ClinVar variation 1732182 (VCV001732182.3), dbSNP rs766978209, ClinGen allele CA6478844.